The following is an entry in ClinVar:

ClinVar aggregate classification (germline): Uncertain significance (1 of 4 stars; one submission).

Allele frequency attached by ClinVar (database versions not stated): TOPMed 0.00001; ExAC 0.00002.
gnomAD v4.1: 5 of 1,614,058 alleles (0.00031%); highest among the groups gnomAD compares: East Asian, 0.0089%; no homozygotes.

Submission:

Labcorp Genetics (formerly Invitae), Labcorp
Classification: Uncertain significance. Last evaluated: 2022-01-15. Review status: criteria provided, single submitter. Criteria: Invitae Variant Classification Sherloc (09022015). Collection method: clinical testing. Allele origin: germline.
Comment: This variant has not been reported in the literature in individuals affected with NBAS-related conditions. This variant is present in population databases (rs752599321, gnomAD 0.03%). This sequence change replaces aspartic acid, which is acidic and polar, with glycine, which is neutral and non-polar, at codon 844 of the NBAS protein (p.Asp844Gly). Algorithms developed to predict the effect of missense changes on protein structure and function output the following: SIFT: "Deleterious"; PolyPhen-2: "Benign"; Align-GVGD: "Class C65". The glycine amino acid residue is found in multiple mammalian species, which suggests that this missense change does not adversely affect protein function. In summary, the available evidence is currently insufficient to determine the role of this variant in disease. Therefore, it has been classified as a Variant of Uncertain Significance.

NM_015909.4(NBAS):c.2531A>G (p.Asp844Gly)

Gene: NBAS (NBAS subunit of NRZ tethering complex; minus strand). Cytogenetic location: 2p24.3.
Variant type: single nucleotide variant.
Coding change: c.2531A>G on transcript NM_015909.4 (MANE Select); coding-DNA position 2531, A replaced by G.
Protein change: p.Asp844Gly; replaces aspartic acid 844 with glycine.
Molecular consequence: missense variant. On other transcripts: non-coding transcript variant (1).
Genome position (GRCh38, 1-based): chr2:15,424,361, T>C on the plus strand (A>G on the coding strand, the complement: NBAS is on the minus strand). VCF-style: chr2-15424361-T-C. GRCh37 (hg19) VCF-style: chr2-15564485-T-C.
Other names: short protein forms D844G.
Identifiers: ClinVar variation 1972911 (VCV001972911.5), dbSNP rs752599321, ClinGen allele CA1536332.
Genomic context (GRCh38, chr2:15,424,361, plus strand): 5'-CCATTTCCCCTCACCTGCCGAGCATAATGCTCTATTTCCTCTGCTCTGGTCTGATACCAG[T>C]CCATAACCTTCTCCACCGTAAGCTGGGTCATCCTGAACCTTAGTAACTCAGGCTGTGCAG-3'
Protein context (NP_056993.2, residues 834-854): MTQLTVEKVM[Asp844Gly]WYQTRAEEIE